The following is an entry in ClinVar:

NM_007294.4(BRCA1):c.5513T>G (p.Val1838Gly)

Gene: BRCA1 (BRCA1 DNA repair associated; minus strand). Cytogenetic location: 17q21.31.
Variant type: single nucleotide variant.
Coding change: c.5513T>G on transcript NM_007294.4 (MANE Select); coding-DNA position 5513, T replaced by G.
Protein change: p.Val1838Gly; replaces valine 1838 with glycine.
Molecular consequence: missense variant. On other transcripts: 3 prime UTR variant (1), non-coding transcript variant (1).
Genome position (GRCh38, 1-based): chr17:43,045,757, A>C on the plus strand (T>G on the coding strand, the complement: BRCA1 is on the minus strand). VCF-style: chr17-43045757-A-C. GRCh37 (hg19) VCF-style: chr17-41197774-A-C.
Other names: c.5300T>G, p.Val1767Gly (NM_001407571.1, NM_001407894.1, NM_001407895.1 and 12 more transcripts); c.5579T>G, p.Val1860Gly (NM_001407581.1, NM_001407582.1); c.5576T>G, p.Val1859Gly (NM_001407583.1, NM_001407585.1, NM_001407587.1 and 1 more transcripts); c.5573T>G, p.Val1858Gly (NM_001407590.1, NM_001407591.1); c.5513T>G, p.Val1838Gly (NM_001407593.1, NM_001407594.1, NM_001407596.1 and 5 more transcripts); c.5510T>G, p.Val1837Gly (NM_001407610.1, NM_001407611.1, NM_001407612.1 and 14 more transcripts); c.5507T>G, p.Val1836Gly (NM_001407627.1, NM_001407628.1, NM_001407629.1 and 13 more transcripts); c.5504T>G, p.Val1835Gly (NM_001407644.1, NM_001407645.1); and 74 more; short protein forms V1838G, V1859G, V1791G, V734G, V1711G, V1726G, V1748G, V1767G.
Identifiers: ClinVar variation 254643 (VCV000254643.4), dbSNP rs80357107, ClinGen allele CA10586676.

ClinVar aggregate classification (germline): Likely pathogenic. Review status: criteria provided, single submitter (1 of 4 stars). 2 submissions from 2 submitters: Likely pathogenic (1). 1 of the submissions does not count toward it. Last evaluated 2015-07-01.

Conditions:
Breast-ovarian cancer, familial, susceptibility to, 1 (BROVCA1). Also called: BRCA1 Hereditary Breast and Ovarian Cancer; OVARIAN CANCER, SUSCEPTIBILITY TO. Identifiers: Orphanet 145, MedGen C2676676, MONDO:0011450, OMIM 604370. Disease mechanism: loss of function.

Submissions (3):

Department of Medical Genetics, Oslo University Hospital
Classification: Likely pathogenic for Breast-ovarian cancer, familial, susceptibility to, 1. Last evaluated: 2015-07-01. Review status: criteria provided, single submitter. Criteria: ACMG Guidelines, 2015. Collection method: clinical testing. Allele origin: germline. Affected: yes. Observed: 13 variant alleles.

Department of Medical Genetics, University Hospital of North Norway
Classification: Uncertain significance for Breast-ovarian cancer, familial, susceptibility to, 1. Last evaluated: 2016-05-01. Review status: no assertion criteria provided. Collection method: clinical testing. Allele origin: germline. Affected: no. Observed: 1 variant allele. Not counted in ClinVar's aggregate classification.

Brotman Baty Institute, University of Washington
No classification provided (evidence only). Condition: Breast-ovarian cancer, familial 1. Review status: no classification provided. Collection method: in vitro. Allele origin: not applicable. Functional consequence: functionally_abnormal. Not counted in ClinVar's aggregate classification.
ClinVar note: "not provided" was previously submitted as the classification for the variant. However, the classification appeared to be based only on an observation of functional data so it was converted to no classification on 2025-07-30.

Literature cited by the submitters: PubMed 27495310 (cited by Department of Medical Genetics, University Hospital of North Norway).